The following is an entry in ClinVar:

ClinVar aggregate classification (germline): Pathogenic. Review status: criteria provided, multiple submitters, no conflicts (2 of 4 stars). 5 submissions from 5 submitters: Pathogenic (4). 1 of the submissions does not count toward it. Last evaluated 2024-11-13.

Conditions:
Microcephaly 5, primary, autosomal recessive (MCPH5). Also called: ASPM Primary Microcephaly. Identifiers: Orphanet 2512, MedGen C1837501, MONDO:0012106, OMIM 608716.

Submissions (5):

Revvity Omics, Revvity
Classification: Pathogenic for Microcephaly 5, primary, autosomal recessive. Last evaluated: 2024-11-13. Review status: criteria provided, single submitter. Criteria: ACMG Guidelines, 2015. Collection method: clinical testing. Allele origin: germline.

Genome-Nilou Lab
Classification: Pathogenic for Microcephaly 5, primary, autosomal recessive. Last evaluated: 2023-04-11. Review status: criteria provided, single submitter. Criteria: ACMG Guidelines, 2015. Collection method: clinical testing. Allele origin: germline. Affected: no.

GeneDx
Classification: Pathogenic. Last evaluated: 2022-08-25. Review status: criteria provided, single submitter. Criteria: GeneDx Variant Classification Process June 2021. Collection method: clinical testing. Allele origin: germline. Affected: yes.
Comment: Observed in the heterozygous state with a second ASPM variant in a patient with ASPM-related primary microcephaly in published literature, however, it is not known whether the variants occurred on the same (in cis) or on different (in trans) chromosomes (Passemard et al., 2009); Not observed at significant frequency in large population cohorts (gnomAD); Frameshift variant predicted to result in protein truncation or nonsense mediated decay in a gene for which loss of function is a known mechanism of disease; This variant is associated with the following publications: (PMID: 29431480, 20301772, 34402213, 31696992, 19808985, 19770472)

Child Neurology Department, Hôpital Universitaire de Bruxelles
Classification: Pathogenic for Microcephaly 5, primary, autosomal recessive. Review status: criteria provided, single submitter. Criteria: ACMG Guidelines, 2015. Collection method: clinical testing. Allele origin: maternal. Affected: yes.

Service de Génétique Moléculaire, Hôpital Robert Debré
Classification: Likely pathogenic for Microcephaly 5, primary, autosomal recessive. Review status: no assertion criteria provided. Collection method: clinical testing. Allele origin: unknown. Affected: yes. Not counted in ClinVar's aggregate classification.

Literature cited by the submitters: PubMed 19770472 (cited by Child Neurology Department, Hôpital Universitaire de Bruxelles).

NM_018136.5(ASPM):c.6686_6689del (p.Arg2229fs)

Gene: ASPM (assembly factor for spindle microtubules; minus strand). Cytogenetic location: 1q31.3.
Variant type: Microsatellite.
Coding change: c.6686_6689del on transcript NM_018136.5 (MANE Select); coding-DNA positions 6686 to 6689, 4 bases deleted (GAAA; older notation c.6686_6689delGAAA).
Protein change: p.Arg2229fs; shifts the reading frame from arginine 2229.
Molecular consequence: frameshift variant. On other transcripts: intron variant (1).
Genome position (GRCh38, 1-based): chr1:197,102,562-197,102,565, TTTC deleted on the plus strand (GAAA on the coding strand, the reverse complement: ASPM is on the minus strand); deleting any 4 consecutive bases within chr1:197,102,562-197,102,573 gives the same sequence; the c. name uses the placement nearest the transcript's 3' end. VCF-style (leftmost placement, unchanged base first): chr1-197102561-GTTTC-G. GRCh37 (hg19) VCF-style: chr1-197071691-GTTTC-G.
Other names: c.6686_6689delGAAA (NM_018136.4); c.4066-6409GAAA[2] (NM_001206846.2); short protein forms R2229fs.
Identifiers: ClinVar variation 694011 (VCV000694011.6), dbSNP rs770540184, ClinGen allele CA1309543.
Genomic context (GRCh38, chr1:197,102,561, plus strand): 5'-AAAAATAGCCTGAATGTATATTACAGAATGCCTCAGTTTGTTATACCTTTGAAATTGTAT[GTTTC>G]TTTCTTTCATTGCCCAGTATCTTTGCTGTACTGTTTTTGTTATTTTCTTTAACTTATTAA-3'